The following is an entry in ClinVar:

ClinVar aggregate classification (germline): Uncertain significance (1 of 4 stars; one submission).

Conditions:
Hereditary breast ovarian cancer syndrome. Also called: Hereditary breast and ovarian cancer; Hereditary breast and ovarian cancer syndrome (HBOC); Breast and ovarian cancer; Hereditary breast and/or ovarian cancer syndrome; BRCA1- and BRCA2-Associated Hereditary Breast and Ovarian Cancer; Hereditary breast and ovarian cancer syndrome. Identifiers: Orphanet 145, MedGen C0677776, MeSH D061325, MONDO:0003582. Disease mechanism: loss of function.

Submissions (2):

Labcorp Genetics (formerly Invitae), Labcorp
Classification: Uncertain significance for Hereditary breast ovarian cancer syndrome. Last evaluated: 2022-11-08. Review status: criteria provided, single submitter. Criteria: Invitae Variant Classification Sherloc (09022015). Collection method: clinical testing. Allele origin: germline.
Comment: In summary, the available evidence is currently insufficient to determine the role of this variant in disease. Therefore, it has been classified as a Variant of Uncertain Significance. Experimental studies have shown that this missense change does not substantially affect BRCA1 function (PMID: 30209399). Advanced modeling performed at Invitae incorporating data from internal and/or published experimental studies (PMID: 30209399) indicates that this missense variant is not expected to disrupt BRCA1 function. ClinVar contains an entry for this variant (Variation ID: 869084). This variant has not been reported in the literature in individuals affected with BRCA1-related conditions. This variant is not present in population databases (gnomAD no frequency). This sequence change replaces glutamic acid, which is acidic and polar, with glycine, which is neutral and non-polar, at codon 10 of the BRCA1 protein (p.Glu10Gly).

Brotman Baty Institute, University of Washington
No classification provided (evidence only). Condition: Breast-ovarian cancer, familial 1. Review status: no classification provided. Collection method: in vitro. Allele origin: not applicable. Functional consequence: functionally_normal. Not counted in ClinVar's aggregate classification.
ClinVar note: "not provided" was previously submitted as the classification for the variant. However, the classification appeared to be based only on an observation of functional data so it was converted to no classification on 2025-07-30.

Literature cited by the submitters: PubMed 30209399 (cited by Labcorp Genetics (formerly Invitae), Labcorp).

NM_007294.4(BRCA1):c.29A>G (p.Glu10Gly)

Gene: BRCA1 (BRCA1 DNA repair associated; minus strand). Cytogenetic location: 17q21.31.
Variant type: single nucleotide variant.
Coding change: c.29A>G on transcript NM_007294.4 (MANE Select); coding-DNA position 29, A replaced by G.
Protein change: p.Glu10Gly; replaces glutamic acid 10 with glycine.
Molecular consequence: missense variant. On other transcripts: 5 prime UTR variant (1), non-coding transcript variant (1).
Genome position (GRCh38, 1-based): chr17:43,124,068, T>C on the plus strand (A>G on the coding strand, the complement: BRCA1 is on the minus strand). VCF-style: chr17-43124068-T-C. GRCh37 (hg19) VCF-style: chr17-41276085-T-C.
Other names: c.-160A>G (NM_001407571.1, NM_001407853.1, NM_001407879.1 and 46 more transcripts); c.29A>G, p.Glu10Gly (NM_001407581.1, NM_001407582.1, NM_001407583.1 and 193 more transcripts); c.-229A>G (NM_001407694.1, NM_001407724.1, NM_001407727.1 and 11 more transcripts); c.-233A>G (NM_001407695.1, NM_001408465.1); c.-374A>G (NM_001407696.1); c.-258A>G (NM_001407697.1, NM_001407846.1, NM_001407920.1); c.-59A>G (NM_001407698.1, NM_001407732.1, NM_001407736.1 and 23 more transcripts); c.-232A>G (NM_001407725.1, NM_001407730.1, NM_001407734.1 and 22 more transcripts); and 8 more; short protein forms E10G.
Identifiers: ClinVar variation 869084 (VCV000869084.6), dbSNP rs2055737507, ClinGen allele CA10602103.